The following is an entry in ClinVar:

NM_003412.4(ZIC1):c.163G>T (p.Glu55Ter)

Gene: ZIC1 (Zic family member 1; plus strand). Cytogenetic location: 3q24.
Variant type: single nucleotide variant.
Coding change: c.163G>T on transcript NM_003412.4 (MANE Select); coding-DNA position 163, G replaced by T.
Protein change: p.Glu55Ter; replaces glutamic acid 55 with a stop codon.
Molecular consequence: nonsense.
Genome position (GRCh38, 1-based): chr3:147,410,275, G>T. VCF-style: chr3-147410275-G-T. GRCh37 (hg19) VCF-style: chr3-147128062-G-T.
Other names: short protein forms E55*.
Identifiers: ClinVar variation 2413059 (VCV002413059.3), dbSNP rs2087356682, ClinGen allele CA354896051.

ClinVar aggregate classification (germline): Uncertain significance (1 of 4 stars; one submission).

Submission:

GeneDx
Classification: Uncertain significance. Last evaluated: 2022-07-28. Review status: criteria provided, single submitter. Criteria: GeneDx Variant Classification Process June 2021. Collection method: clinical testing. Allele origin: germline. Affected: yes.
Comment: Not observed at significant frequency in large population cohorts (gnomAD); Nonsense variant predicted to result in protein truncation or nonsense mediated decay in a gene or region of a gene for which loss of function is not a well-established mechanism of disease; Has not been previously published as pathogenic or benign to our knowledge